The following is an entry in ClinVar:

ClinVar aggregate classification (germline): Conflicting classifications of pathogenicity. Review status: criteria provided, conflicting classifications (1 of 4 stars). 2 submissions from 2 submitters: Uncertain significance (1); Likely benign (1). Last evaluated 2025-01-01.

Allele frequency attached by ClinVar (database versions not stated): ExAC 0.00001; gnomAD exomes 0.00001; gnomAD 0.00003 and 0.00004; TOPMed 0.00004; ESP Exome Variant Server 0.00008.
gnomAD v4.1: 16 of 1,613,938 alleles (0.00099%); highest among the groups gnomAD compares: African/African-American, 0.0013%; no homozygotes.

Submissions (2):

CeGaT Center for Human Genetics Tuebingen
Classification: Uncertain significance. Last evaluated: 2025-01-01. Review status: criteria provided, single submitter. Criteria: CeGaT Center For Human Genetics Tuebingen Variant Classification Criteria Version 2. Collection method: clinical testing. Allele origin: germline. Affected: yes. Observed: 1 variant allele.
Comment: FAT4: PM2, BP4

Labcorp Genetics (formerly Invitae), Labcorp
Classification: Likely benign. Last evaluated: 2024-06-02. Review status: criteria provided, single submitter. Criteria: Invitae Variant Classification Sherloc (09022015). Collection method: clinical testing. Allele origin: germline.

NM_001291303.3(FAT4):c.2343C>T (p.Ile781=)

Gene: FAT4 (FAT atypical cadherin 4; plus strand). Cytogenetic location: 4q28.1.
Variant type: single nucleotide variant.
Coding change: c.2343C>T on transcript NM_001291303.3 (MANE Select); coding-DNA position 2343, C replaced by T.
Protein change: p.Ile781=; no amino-acid change (isoleucine 781 retained).
Molecular consequence: synonymous variant.
Genome position (GRCh38, 1-based): chr4:125,318,754, C>T. VCF-style: chr4-125318754-C-T. GRCh37 (hg19) VCF-style: chr4-126239909-C-T.
Other names: c.2343C>T, p.Ile781= (NM_001291285.3, NM_024582.6).
Identifiers: ClinVar variation 795112 (VCV000795112.19), dbSNP rs373586010, ClinGen allele CA3072152.